The following is an entry in ClinVar:

NM_031935.3(HMCN1):c.15467A>G (p.His5156Arg)

Gene: HMCN1 (hemicentin 1; plus strand). Cytogenetic location: 1q31.1.
Variant type: single nucleotide variant.
Coding change: c.15467A>G on transcript NM_031935.3 (MANE Select); coding-DNA position 15467, A replaced by G.
Protein change: p.His5156Arg; replaces histidine 5156 with arginine.
Molecular consequence: missense variant.
Genome position (GRCh38, 1-based): chr1:186,166,835, A>G. VCF-style: chr1-186166835-A-G. GRCh37 (hg19) VCF-style: chr1-186135967-A-G.
Other names: c.15467A>G (NM_031935.2); short protein forms H5156R.
Identifiers: ClinVar variation 1392305 (VCV001392305.7), dbSNP rs770537331, ClinGen allele CA1295271.

ClinVar aggregate classification (germline): Uncertain significance. Review status: criteria provided, multiple submitters, no conflicts (2 of 4 stars). 3 submissions from 3 submitters: Uncertain significance (3). Last evaluated 2025-05-18.

Conditions:
Age related macular degeneration 1 (ARMD1). Also called: MACULOPATHY, AGE-RELATED, 1. Identifiers: MedGen C1864205, MONDO:0011285, OMIM 603075.

Allele frequency attached by ClinVar (database versions not stated): gnomAD exomes below 0.00001 and 0.00002; ExAC 0.00001; gnomAD 0.00005; TOPMed 0.00007.
gnomAD v4.1: 16 of 1,614,038 alleles (0.00099%); highest among the groups gnomAD compares: African/African-American, 0.017%; no homozygotes.

Submissions (3):

Labcorp Genetics (formerly Invitae), Labcorp
Classification: Uncertain significance. Last evaluated: 2025-05-18. Review status: criteria provided, single submitter. Criteria: Invitae Variant Classification Sherloc (09022015). Collection method: clinical testing. Allele origin: germline.
Comment: This sequence change replaces histidine, which is basic and polar, with arginine, which is basic and polar, at codon 5156 of the HMCN1 protein (p.His5156Arg). This variant is present in population databases (rs770537331, gnomAD 0.02%). This variant has not been reported in the literature in individuals affected with HMCN1-related conditions. ClinVar contains an entry for this variant (Variation ID: 1392305). An algorithm developed to predict the effect of missense changes on protein structure and function (PolyPhen-2) suggests that this variant is likely to be tolerated. In summary, the available evidence is currently insufficient to determine the role of this variant in disease. Therefore, it has been classified as a Variant of Uncertain Significance.

Genome-Nilou Lab
Classification: Uncertain significance for Age related macular degeneration 1. Last evaluated: 2023-04-11. Review status: criteria provided, single submitter. Criteria: ACMG Guidelines, 2015. Collection method: clinical testing. Allele origin: germline. Affected: no.

Ambry Genetics
Classification: Uncertain significance. Last evaluated: 2022-01-04. Review status: criteria provided, single submitter. Criteria: Ambry Variant Classification Scheme 2023. Collection method: clinical testing. Allele origin: germline.